The following is an entry in ClinVar:

ClinVar aggregate classification (germline): Uncertain significance (1 of 4 stars; one submission).

gnomAD v4.1: 5 of 1,613,956 alleles (0.00031%); highest among the groups gnomAD compares: African/African-American, 0.0013%; no homozygotes.

Submission:

GeneDx
Classification: Uncertain significance. Last evaluated: 2023-10-23. Review status: criteria provided, single submitter. Criteria: GeneDx Variant Classification Process June 2021. Collection method: clinical testing. Allele origin: germline. Affected: yes.
Comment: Not observed at significant frequency in large population cohorts (gnomAD); In silico analysis supports that this missense variant does not alter protein structure/function; Has not been previously published as pathogenic or benign to our knowledge

NM_015570.4(AUTS2):c.892C>T (p.Pro298Ser)

Gene: AUTS2 (activator of transcription and developmental regulator AUTS2; plus strand). Cytogenetic location: 7q11.22.
Variant type: single nucleotide variant.
Coding change: c.892C>T on transcript NM_015570.4 (MANE Select); coding-DNA position 892, C replaced by T.
Protein change: p.Pro298Ser; replaces proline 298 with serine.
Molecular consequence: missense variant.
Genome position (GRCh38, 1-based): chr7:70,763,019, C>T. VCF-style: chr7-70763019-C-T. GRCh37 (hg19) VCF-style: chr7-70228005-C-T.
Other names: c.892C>T, p.Pro298Ser (NM_001127231.3); short protein forms P298S.
Identifiers: ClinVar variation 3366084 (VCV003366084.1).
Genomic context (GRCh38, chr7:70,763,019, plus strand): 5'-CAGGAGAAGAGCCAGGACTGTTGCAAAGAGCCAATCTTTGAGCCTGTGGTGCTTAAAGAC[C>T]CCTGCCCTCAGGTCGCACAGCCAATACCCCAGCCGCAGACGGAGCCCCAACTCCGAGCTC-3'
Protein context (NP_056385.1, residues 288-308): PIFEPVVLKD[Pro298Ser]CPQVAQPIPQ